The following is an entry in ClinVar:

ClinVar aggregate classification (germline): Uncertain significance (1 of 4 stars; one submission).

Allele frequency attached by ClinVar (database versions not stated): ExAC 0.00001; gnomAD exomes 0.00003 and 0.00014; gnomAD 0.00005 and 0.00006; TOPMed 0.00005; ESP Exome Variant Server 0.00008.
gnomAD v4.1: 201 of 1,614,106 alleles (0.012%); highest among the groups gnomAD compares: Non-Finnish European, 0.017%; no homozygotes.

Submission:

Labcorp Genetics (formerly Invitae), Labcorp
Classification: Uncertain significance. Last evaluated: 2022-09-07. Review status: criteria provided, single submitter. Criteria: Invitae Variant Classification Sherloc (09022015). Collection method: clinical testing. Allele origin: germline.
Comment: This sequence change replaces asparagine, which is neutral and polar, with serine, which is neutral and polar, at codon 286 of the ASAH1 protein (p.Asn286Ser). This variant is present in population databases (rs371154344, gnomAD 0.004%). This variant has not been reported in the literature in individuals affected with ASAH1-related conditions. ClinVar contains an entry for this variant (Variation ID: 1380213). Algorithms developed to predict the effect of missense changes on protein structure and function (SIFT, PolyPhen-2, Align-GVGD) all suggest that this variant is likely to be tolerated. In summary, the available evidence is currently insufficient to determine the role of this variant in disease. Therefore, it has been classified as a Variant of Uncertain Significance.

NM_177924.5(ASAH1):c.857A>G (p.Asn286Ser)

Gene: ASAH1 (N-acylsphingosine amidohydrolase 1; minus strand). Cytogenetic location: 8p22.
Variant type: single nucleotide variant.
Coding change: c.857A>G on transcript NM_177924.5 (MANE Select); coding-DNA position 857, A replaced by G.
Protein change: p.Asn286Ser; replaces asparagine 286 with serine.
Molecular consequence: missense variant.
Genome position (GRCh38, 1-based): chr8:18,059,632, T>C on the plus strand (A>G on the coding strand, the complement: ASAH1 is on the minus strand). VCF-style: chr8-18059632-T-C. GRCh37 (hg19) VCF-style: chr8-17917141-T-C.
Other names: c.839A>G, p.Asn280Ser (NM_001127505.3); c.662A>G, p.Asn221Ser (NM_001363743.2); c.905A>G, p.Asn302Ser (NM_004315.6); short protein forms N280S, N221S, N286S, N302S.
Identifiers: ClinVar variation 1380213 (VCV001380213.3), dbSNP rs371154344, ClinGen allele CA4650650.
Genomic context (GRCh38, chr8:18,059,632, plus strand): 5'-TCATATACATCCAATGATTCCTTTCTGTCTCGTGTAATCACACAACCTTCCCCAGACTGG[T>C]TGCCTCCCAGGATAAAGTAGGCTGGGGCCAATATCTTGGTCTTGGTCAATAAATTCTTGG-3'
Protein context (NP_808592.2, residues 276-296): LAPAYFILGG[Asn286Ser]QSGEGCVITR